The following is an entry in ClinVar:

NM_001170629.2(CHD8):c.6308A>G (p.Glu2103Gly)

Gene: CHD8 (chromodomain helicase DNA binding protein 8; minus strand). Cytogenetic location: 14q11.2.
Variant type: single nucleotide variant.
Coding change: c.6308A>G on transcript NM_001170629.2 (MANE Select); coding-DNA position 6308, A replaced by G.
Protein change: p.Glu2103Gly; replaces glutamic acid 2103 with glycine.
Molecular consequence: missense variant.
Genome position (GRCh38, 1-based): chr14:21,393,487, T>C on the plus strand (A>G on the coding strand, the complement: CHD8 is on the minus strand). VCF-style: chr14-21393487-T-C. GRCh37 (hg19) VCF-style: chr14-21861646-T-C.
Other names: c.5471A>G, p.Glu1824Gly (NM_020920.4); short protein forms E1824G, E2103G.
Identifiers: ClinVar variation 3336169 (VCV003336169.3).
Genomic context (GRCh38, chr14:21,393,487, plus strand): 5'-GAGAGGGGGAAATAGGGAAGGGGGCCAACAGCCTGTCACATGCACTCACTTAGCTTCTCT[T>C]CCTTCTCATCCTCACTCTCATCAGTGCTGGAGCTGGAGCTGGATGAGGATGAGGAAGAAG-3'
Protein context (NP_001164100.1, residues 2093-2113): SSTDESEDEK[Glu2103Gly]EKLTDQSRSK

ClinVar aggregate classification (germline): Uncertain significance. Review status: criteria provided, multiple submitters, no conflicts (2 of 4 stars). 2 submissions from 2 submitters: Uncertain significance (2). Last evaluated 2025-06-29.

Submissions (2):

Labcorp Genetics (formerly Invitae), Labcorp
Classification: Uncertain significance. Last evaluated: 2025-06-29. Review status: criteria provided, single submitter. Criteria: Invitae Variant Classification Sherloc (09022015). Collection method: clinical testing. Allele origin: germline.
Comment: This sequence change replaces glutamic acid, which is acidic and polar, with glycine, which is neutral and non-polar, at codon 2103 of the CHD8 protein (p.Glu2103Gly). This variant is not present in population databases (gnomAD no frequency). This variant has not been reported in the literature in individuals affected with CHD8-related conditions. ClinVar contains an entry for this variant (Variation ID: 3336169). Invitae Evidence Modeling of protein sequence and biophysical properties (such as structural, functional, and spatial information, amino acid conservation, physicochemical variation, residue mobility, and thermodynamic stability) indicates that this missense variant is not expected to disrupt CHD8 protein function with a negative predictive value of 95%. In summary, the available evidence is currently insufficient to determine the role of this variant in disease. Therefore, it has been classified as a Variant of Uncertain Significance.

Women's Health and Genetics/Laboratory Corporation of America, LabCorp
Classification: Uncertain significance. Last evaluated: 2024-05-06. Review status: criteria provided, single submitter. Criteria: LabCorp Variant Classification Summary - May 2015. Collection method: clinical testing. Allele origin: germline.
Comment: Variant summary: CHD8 c.6308A>G (p.Glu2103Gly) results in a non-conservative amino acid change in the encoded protein sequence. Three of five in-silico tools predict a damaging effect of the variant on protein function. The variant was absent in 179094 control chromosomes. The available data on variant occurrences in the general population are insufficient to allow any conclusion about variant significance. To our knowledge, no occurrence of c.6308A>G in individuals affected with CHD8-Related Disorders and no experimental evidence demonstrating its impact on protein function have been reported. No submitters have cited clinical-significance assessments for this variant to ClinVar. Based on the evidence outlined above, the variant was classified as uncertain significance.